The following is an entry in ClinVar:

ClinVar aggregate classification (germline): Pathogenic. Review status: criteria provided, multiple submitters, no conflicts (2 of 4 stars). 3 submissions from 3 submitters: Pathogenic (3). Last evaluated 2025-06-13.

Conditions:
Kartagener syndrome (CILD1). Also called: CILIARY DYSKINESIA, PRIMARY, 1; CILIARY DYSKINESIA, PRIMARY, 1, WITH OR WITHOUT SITUS INVERSUS; Dextrocardia bronchiectasis and sinusitis; SIEWERT SYNDROME; IMMOTILE CILIA SYNDROME; POLYNESIAN BRONCHIECTASIS. Identifiers: Orphanet 244, MedGen C4551906, MONDO:0009484, OMIM 244400.
Primary ciliary dyskinesia. Also called: Ciliary dyskinesia. Identifiers: Orphanet 244, MedGen C0008780, MONDO:0016575, HP:0012265.

Submissions (3):

Revvity Omics, Revvity
Classification: Pathogenic for Kartagener syndrome. Last evaluated: 2025-06-13. Review status: criteria provided, single submitter. Criteria: ACMG Guidelines, 2015. Collection method: clinical testing. Allele origin: germline.

Labcorp Genetics (formerly Invitae), Labcorp
Classification: Pathogenic for Primary ciliary dyskinesia. Last evaluated: 2023-09-19. Review status: criteria provided, single submitter. Criteria: Invitae Variant Classification Sherloc (09022015). Collection method: clinical testing. Allele origin: germline.
Comment: For these reasons, this variant has been classified as Pathogenic. ClinVar contains an entry for this variant (Variation ID: 2148317). This premature translational stop signal has been observed in individual(s) with primary ciliary dyskinesia (PMID: 31650533). This variant is not present in population databases (gnomAD no frequency). This sequence change creates a premature translational stop signal (p.Trp548*) in the DNAI1 gene. It is expected to result in an absent or disrupted protein product. Loss-of-function variants in DNAI1 are known to be pathogenic (PMID: 16858015, 29363216).

3billion
Classification: Pathogenic for Kartagener syndrome. Last evaluated: 2023-08-16. Review status: criteria provided, single submitter. Criteria: ACMG Guidelines, 2015. Collection method: clinical testing. Allele origin: germline. Affected: yes.
Comment: The variant is not observed in the gnomAD v2.1.1 dataset. Predicted Consequence/Location: Stop-gained (nonsense): predicted to result in a loss or disruption of normal protein function through nonsense-mediated decay (NMD) or protein truncation. Multiple pathogenic variants are reported downstream of the variant. Regardless of the mechanism, a variant called homozygous is by default in trans. The variant has been reported to be associated with DNAI1-related disorder (ClinVar ID: VCV002148317 /PMID: 31650533). Therefore, this variant is classified as Pathogenic according to the recommendation of ACMG/AMP guideline.

Literature cited by the submitters: PubMed 31650533 (cited by Labcorp Genetics (formerly Invitae), Labcorp and 3billion); PubMed 16858015 (cited by Labcorp Genetics (formerly Invitae), Labcorp); PubMed 29363216 (cited by Labcorp Genetics (formerly Invitae), Labcorp).

NM_012144.4(DNAI1):c.1644del (p.Ser547_Trp548insTer)

Gene: DNAI1 (dynein axonemal intermediate chain 1; plus strand). Cytogenetic location: 9p13.3.
Variant type: Deletion.
Coding change: c.1644del on transcript NM_012144.4 (MANE Select); coding-DNA position 1644, one base deleted (G; older notation c.1644delG).
Protein change: p.Ser547_Trp548insTer.
Molecular consequence: nonsense.
Genome position (GRCh38, 1-based): chr9:34,514,468, G deleted; the last of 2 consecutive G bases (chr9:34,514,467-34,514,468); deleting either gives the same sequence. VCF-style (leftmost placement, unchanged base first): chr9-34514466-TG-T. GRCh37 (hg19) VCF-style: chr9-34514464-TG-T.
Other names: c.1656del, p.Ser551_Trp552insTer (NM_001281428.2).
Identifiers: ClinVar variation 2148317 (VCV002148317.6), dbSNP rs1345403701, ClinGen allele CA863461390.